The following is an entry in ClinVar:

ClinVar aggregate classification (germline): Uncertain significance (1 of 4 stars; one submission).

gnomAD v4.1: 1 of 1,614,180 alleles (0.000062%); highest among the groups gnomAD compares: Non-Finnish European, 0.000085%; no homozygotes.

Submission:

Labcorp Genetics (formerly Invitae), Labcorp
Classification: Uncertain significance. Last evaluated: 2025-08-25. Review status: criteria provided, single submitter. Criteria: Invitae Variant Classification Sherloc (09022015). Collection method: clinical testing. Allele origin: germline.
Comment: This sequence change replaces glycine, which is neutral and non-polar, with valine, which is neutral and non-polar, at codon 330 of the CACNA1D protein (p.Gly330Val). This variant is not present in population databases (gnomAD no frequency). This variant has not been reported in the literature in individuals affected with CACNA1D-related conditions. Invitae Evidence Modeling of protein sequence and biophysical properties (such as structural, functional, and spatial information, amino acid conservation, physicochemical variation, residue mobility, and thermodynamic stability) indicates that this missense variant is not expected to disrupt CACNA1D protein function with a negative predictive value of 80%. In summary, the available evidence is currently insufficient to determine the role of this variant in disease. Therefore, it has been classified as a Variant of Uncertain Significance.

NM_001128840.3(CACNA1D):c.989G>T (p.Gly330Val)

Gene: CACNA1D (calcium voltage-gated channel subunit alpha1 D; plus strand). Cytogenetic location: 3p21.1.
Variant type: single nucleotide variant.
Coding change: c.989G>T on transcript NM_001128840.3 (MANE Select); coding-DNA position 989, G replaced by T.
Protein change: p.Gly330Val; replaces glycine 330 with valine.
Molecular consequence: missense variant.
Genome position (GRCh38, 1-based): chr3:53,666,408, G>T. VCF-style: chr3-53666408-G-T. GRCh37 (hg19) VCF-style: chr3-53700435-G-T.
Other names: c.989G>T, p.Gly330Val (NM_000720.4, NM_001128839.3); short protein forms G330V.
Identifiers: ClinVar variation 4807630 (VCV004807630.1).